The following is an entry in ClinVar:

NM_001276345.2(TNNT2):c.517G>A (p.Glu173Lys)

Gene: TNNT2 (troponin T2, cardiac type; minus strand). Cytogenetic location: 1q32.1.
Variant type: single nucleotide variant.
Coding change: c.517G>A on transcript NM_001276345.2 (MANE Select); coding-DNA position 517, G replaced by A.
Protein change: p.Glu173Lys; replaces glutamic acid 173 with lysine.
Molecular consequence: missense variant.
Genome position (GRCh38, 1-based): chr1:201,363,379, C>T on the plus strand (G>A on the coding strand, the complement: TNNT2 is on the minus strand). VCF-style: chr1-201363379-C-T. GRCh37 (hg19) VCF-style: chr1-201332507-C-T.
Other names: c.517G>A, p.Glu173Lys (NM_000364.4); c.487G>A, p.Glu163Lys (NM_001001430.3, NM_001001431.3, NM_001276347.2); c.472G>A, p.Glu158Lys (NM_001001432.3); c.397G>A, p.Glu133Lys (NM_001276346.2); short protein forms E163K, E173K, E133K, E158K.
Identifiers: ClinVar variation 567696 (VCV000567696.16), dbSNP rs1558225569, ClinGen allele CA344204548.

ClinVar aggregate classification (germline): Conflicting classifications of pathogenicity. Review status: criteria provided, conflicting classifications (1 of 4 stars). 6 submissions from 6 submitters: Pathogenic (3); Likely pathogenic (2); Uncertain significance (1). Last evaluated 2025-07-29.

Conditions:
TNNT2-related disorder. Also called: TNNT2-related condition.
Dilated cardiomyopathy 1D. Identifiers: Orphanet 154, Orphanet 54260, MedGen C1832243, MONDO:0011095, OMIM 601494.
Cardiomyopathy, familial restrictive, 3. Identifiers: Orphanet 75249, MedGen C2676271, MONDO:0012900, OMIM 612422.
Hypertrophic cardiomyopathy 2. Also called: TNNT2-Related Familial Hypertrophic Cardiomyopathy. Identifiers: MedGen C1861864, MONDO:0007266, OMIM 115195.
Cardiovascular phenotype. Identifiers: MedGen CN230736.
Cardiomyopathy (CMYO). Also called: Cardiomyopathies. Identifiers: Orphanet 167848, MedGen C0878544, MONDO:0004994, HP:0001638. Inheritance: Various modes of inheritance.

Submissions (6):

Labcorp Genetics (formerly Invitae), Labcorp
Classification: Pathogenic for Cardiomyopathy, familial restrictive, 3; Hypertrophic cardiomyopathy 2; Dilated cardiomyopathy 1D. Last evaluated: 2025-07-29. Review status: criteria provided, single submitter. Criteria: Invitae Variant Classification Sherloc (09022015). Collection method: clinical testing. Allele origin: germline.
Comment: This sequence change replaces glutamic acid, which is acidic and polar, with lysine, which is basic and polar, at codon 163 of the TNNT2 protein (p.Glu163Lys). This variant is not present in population databases (gnomAD no frequency). This missense change has been observed in individuals with hypertrophic cardiomyopathy (PMID: 7898523, 22112859, 29398688; internal data). ClinVar contains an entry for this variant (Variation ID: 567696). Invitae Evidence Modeling of protein sequence and biophysical properties (such as structural, functional, and spatial information, amino acid conservation, physicochemical variation, residue mobility, and thermodynamic stability) indicates that this missense variant is not expected to disrupt TNNT2 protein function with a negative predictive value of 80%. Experimental studies have shown that this missense change affects TNNT2 function (PMID: 10617660, 14722098, 22579624, 24367593, 24480310). For these reasons, this variant has been classified as Pathogenic.

3billion
Classification: Pathogenic for Hypertrophic cardiomyopathy 2. Last evaluated: 2023-08-22. Review status: criteria provided, single submitter. Criteria: ACMG Guidelines, 2015. Collection method: clinical testing. Allele origin: germline. Affected: yes.
Comment: The variant is not observed in the gnomAD v2.1.1 dataset. Predicted Consequence/Location: Missense variant Functional studies provide moderate evidence of the variant having a damaging effect on the gene or gene product (PMID: 10617660, 14722098, 22579624, 24367593, 24480310). In silico tool predictions suggest damaging effect of the variant on gene or gene product [REVEL: 0.79 (>=0.6, sensitivity 0.68 and specificity 0.92)]. Same nucleotide change resulting in same amino acid change has been previously reported as pathogenic/likely pathogenic with strong evidence (ClinVar ID: VCV000567696 /PMID: 7898523).The variant has been observed in at least two similarly affected unrelated individuals (PMID: 22112859, 29398688, 7898523). Therefore, this variant is classified as Pathogenic according to the recommendation of ACMG/AMP guideline.

CHEO Genetics Diagnostic Laboratory, Children's Hospital of Eastern Ontario
Classification: Likely pathogenic for Cardiomyopathy. Last evaluated: 2022-05-31. Review status: criteria provided, single submitter. Criteria: ACMG Guidelines, 2015. Collection method: clinical testing. Allele origin: germline.

Fulgent Genetics
Classification: Likely pathogenic for Hypertrophic cardiomyopathy 2; Dilated cardiomyopathy 1D; Cardiomyopathy, familial restrictive, 3. Last evaluated: 2021-09-27. Review status: criteria provided, single submitter. Criteria: ACMG Guidelines, 2015. Collection method: clinical testing. Allele origin: unknown.

Ambry Genetics
Classification: Uncertain significance for Cardiovascular phenotype. Last evaluated: 2020-12-07. Review status: criteria provided, single submitter. Criteria: Ambry Variant Classification Scheme 2023. Collection method: clinical testing. Allele origin: germline.
Comment: The p.E163K variant (also known as c.487G>A), located in coding exon 10 of the TNNT2 gene, results from a G to A substitution at nucleotide position 487. The glutamic acid at codon 163 is replaced by lysine, an amino acid with similar properties. This alteration has been detected in multiple individuals with hypertrophic cardiomyopathy (Watkins H et al. N Engl J Med, 1995 Apr;332:1058-64; Pasquale F et al. Circ Cardiovasc Genet, 2012 Feb;5:10-7; Otsuka H et al. Circ J, 2012 Nov;76:453-61; Walsh R et al. Genet Med, 2017 02;19:192-203; Teramoto R et al. Circ J, 2018 03;82:1139-1148). Experimental studies show that this alteration may impact calcium sensitivity and cardiac troponin T and tropomyosin interaction; however, the clinical significance of these studies is unclear (Szczesna D et al. J Biol Chem, 2000 Jan;275:624-30; Harada K et al. J Biol Chem, 2004 Apr;279:14488-95; Sommese RF et al. PLoS One, 2013 Dec;8:e83403; Manning EP et al. J Mol Biol, 2012 Aug;421:54-66; Moore RK et al. Arch Biochem Biophys, 2014 Jun;552-553:21-8). In vitro assays using human induced pluripotent stem cell-derived cardiomyocytes have shown that this variant results in gene expression and contractility changes similar to those seen with pathogenic TNNT2 variants (Pettinato AM et al. Circulation. 2020 Dec;142(23):2262-2275). Based on internal structural analysis, p.E163K disrupts a highly conserved region known to mediate allosteric communications critical to proper function (Lu QW et al. J Geriatr Cardiol. 2013 Mar;10(1):91-101; Moore RK et al. J Mol Cell Cardiol. 2013 May;58:188-98). This amino acid position is well conserved in available vertebrate species. In addition, this alteration is predicted to be deleterious by in silico analysis. Since supporting evidence is limited at this time, the clinical significance of this alteration remains unclear.

Blueprint Genetics
Classification: Pathogenic for TNNT2-related disorders. Last evaluated: 2020-05-28. Review status: criteria provided, single submitter. Criteria: ACMG Guidelines, 2015. Collection method: clinical testing. Allele origin: germline. Affected: yes. Observed: 1 variant allele.

Literature cited by the submitters: PubMed 7898523 (cited by 3 submitters); PubMed 22112859 (cited by 3 submitters); PubMed 29398688 (cited by 3 submitters); PubMed 10617660 (cited by 3 submitters); PubMed 14722098 (cited by 3 submitters); PubMed 22579624 (cited by 3 submitters); PubMed 24367593 (cited by 3 submitters); PubMed 24480310 (cited by 3 submitters); PubMed 22144547 (cited by Ambry Genetics); PubMed 27532257 (cited by Ambry Genetics).